The following is an entry in ClinVar:

ClinVar aggregate classification (germline): Pathogenic (1 of 4 stars; one submission).

Conditions:
Nemaline myopathy 2 (NEM2). Also called: Nemaline myopathy 2, autosomal recessive. Identifiers: MedGen C1850569, MONDO:0009725, OMIM 256030.

Submission:

Labcorp Genetics (formerly Invitae), Labcorp
Classification: Pathogenic for Nemaline myopathy 2. Last evaluated: 2021-06-13. Review status: criteria provided, single submitter. Criteria: Invitae Variant Classification Sherloc (09022015). Collection method: clinical testing. Allele origin: germline.
Comment: This variant is not present in population databases (ExAC no frequency). This variant has not been reported in the literature in individuals with NEB-related conditions. For these reasons, this variant has been classified as Pathogenic. This sequence change creates a premature translational stop signal (p.Glu3809*) in the NEB gene. It is expected to result in an absent or disrupted protein product. Loss-of-function variants in NEB are known to be pathogenic (PMID: 25205138).

Literature cited by the submitters: PubMed 25205138.

NM_001164508.2(NEB):c.11425G>T (p.Glu3809Ter)

Gene: NEB (nebulin; minus strand). Cytogenetic location: 2q23.3.
Variant type: single nucleotide variant.
Coding change: c.11425G>T on transcript NM_001164508.2 (MANE Select); coding-DNA position 11425, G replaced by T.
Protein change: p.Glu3809Ter; replaces glutamic acid 3809 with a stop codon.
Molecular consequence: nonsense.
Genome position (GRCh38, 1-based): chr2:151,614,452, C>A on the plus strand (G>T on the coding strand, the complement: NEB is on the minus strand). VCF-style: chr2-151614452-C-A. GRCh37 (hg19) VCF-style: chr2-152470966-C-A.
Other names: c.11425G>T, p.Glu3809Ter (NM_001164507.2, NM_001271208.2); c.10696G>T, p.Glu3566Ter (NM_004543.5); short protein forms E3566*, E3809*.
Identifiers: ClinVar variation 1456050 (VCV001456050.6), dbSNP rs2098126010, ClinGen allele CA348781906.